The following is an entry in ClinVar:

NM_014855.3(AP5Z1):c.1978C>T (p.Arg660Trp)

Gene: AP5Z1 (adaptor related protein complex 5 subunit zeta 1; plus strand). Cytogenetic location: 7p22.1.
Variant type: single nucleotide variant.
Coding change: c.1978C>T on transcript NM_014855.3 (MANE Select); coding-DNA position 1978, C replaced by T.
Protein change: p.Arg660Trp; replaces arginine 660 with tryptophan.
Molecular consequence: missense variant. On other transcripts: non-coding transcript variant (1).
Genome position (GRCh38, 1-based): chr7:4,790,712, C>T. VCF-style: chr7-4790712-C-T. GRCh37 (hg19) VCF-style: chr7-4830343-C-T.
Other names: p.Arg660Trp; c.1978C>T, p.Arg660Trp (LRG_1247t1); c.1510C>T, p.Arg504Trp (NM_001364858.1); short protein forms R660W, R504W.
Identifiers: ClinVar variation 582334 (VCV000582334.7), dbSNP rs377514314, ClinGen allele CA4138247.

ClinVar aggregate classification (germline): Uncertain significance. Review status: criteria provided, multiple submitters, no conflicts (2 of 4 stars). 3 submissions from 3 submitters: Uncertain significance (3). Last evaluated 2025-08-28.

Conditions:
Hereditary spastic paraplegia 48. Also called: SPASTIC PARAPLEGIA 48, AUTOSOMAL RECESSIVE; Spastic paraplegia 48. Identifiers: Orphanet 306511, MedGen C3150901, MONDO:0013342, OMIM 613647.
Inborn genetic diseases. Identifiers: MedGen C0950123, MeSH D030342.

Allele frequency attached by ClinVar (database versions not stated): gnomAD exomes 0.00003; ExAC 0.00005; gnomAD 0.00006; TOPMed 0.00006; ESP Exome Variant Server 0.00032.
gnomAD v4.1: 58 of 1,611,094 alleles (0.0036%); highest among the groups gnomAD compares: East Asian, 0.0089%; no homozygotes.

Submissions (3):

Mayo Clinic Laboratories, Mayo Clinic
Classification: Uncertain significance. Last evaluated: 2025-08-28. Review status: criteria provided, single submitter. Criteria: ACMG Guidelines, 2015. Collection method: clinical testing. Allele origin: germline. Observed: 1 variant allele.
Comment: BP4, PM2_supporting

Ambry Genetics
Classification: Uncertain significance for Inborn genetic diseases. Last evaluated: 2023-04-25. Review status: criteria provided, single submitter. Criteria: Ambry Variant Classification Scheme 2023. Collection method: clinical testing. Allele origin: germline.

Labcorp Genetics (formerly Invitae), Labcorp
Classification: Uncertain significance for Hereditary spastic paraplegia 48. Last evaluated: 2021-08-28. Review status: criteria provided, single submitter. Criteria: Invitae Variant Classification Sherloc (09022015). Collection method: clinical testing. Allele origin: germline.